The following is an entry in ClinVar:

ClinVar aggregate classification (germline): Uncertain significance (1 of 4 stars; one submission).

Conditions:
NFATC1-related disorder. Also called: NFATC1-related condition.

Submission:

PreventionGenetics, part of Exact Sciences
Classification: Uncertain significance for NFATC1-related condition. Last evaluated: 2025-05-28. Review status: criteria provided, single submitter. Criteria: ACMG Guidelines, 2015. Collection method: clinical testing. Allele origin: germline.
Comment: The NFATC1 c.128-2A>G variant is predicted to disrupt the AG splice acceptor site and interfere with normal splicing. To our knowledge, this variant has not been reported in the literature or in a large population database (gnomAD), indicating this variant is rare. At this time, the clinical significance of this variant is uncertain due to the absence of conclusive functional and genetic evidence.

NM_001278669.2(NFATC1):c.128-2A>G

Gene: NFATC1 (nuclear factor of activated T cells 1; plus strand). Cytogenetic location: 18q23.
Variant type: single nucleotide variant.
Coding change: c.128-2A>G on transcript NM_001278669.2 (MANE Select); the canonical splice acceptor site of the intron before coding-DNA position 128, A replaced by G.
Molecular consequence: splice acceptor variant. On other transcripts: intron variant (2).
Genome position (GRCh38, 1-based): chr18:79,410,401, A>G. VCF-style: chr18-79410401-A-G. GRCh37 (hg19) VCF-style: chr18-77170401-A-G.
Other names: c.128-2A>G (NM_006162.5, NM_001278670.2, NM_172390.3); c.-191+14050A>G (NM_172388.3); c.89-2A>G (NM_172387.3, NM_172389.3, NM_001278672.2 and 1 more transcripts); c.-191+9922A>G (NM_001278673.2).
Identifiers: ClinVar variation 4999620 (VCV004999620.1).